The following is an entry in ClinVar:

NM_001369.3(DNAH5):c.2443_2444delinsATTGAAGTGACA (p.Leu815fs)

Genes: DNAH5 (dynein axonemal heavy chain 5; minus strand), DNAH5-AS1 (DNAH5 antisense RNA 1; plus strand). Cytogenetic location: 5p15.2.
Variant type: Indel.
Coding change: c.2443_2444delinsATTGAAGTGACA on transcript NM_001369.3 (MANE Select); coding-DNA positions 2443 to 2444, TT replaced by ATTGAAGTGACA.
Protein change: p.Leu815fs; shifts the reading frame from leucine 815.
Molecular consequence: frameshift variant.
Genome position (GRCh38, 1-based): chr5:13,891,109-13,891,110, AA replaced by TGTCACTTCAAT on the plus strand (TT replaced by ATTGAAGTGACA on the coding strand, the reverse complement: DNAH5 is on the minus strand). VCF-style: chr5-13891109-AA-TGTCACTTCAAT. GRCh37 (hg19) VCF-style: chr5-13891218-AA-TGTCACTTCAAT.
Other names: short protein forms L815fs.
Identifiers: ClinVar variation 5010411 (VCV005010411.1).

ClinVar aggregate classification (germline): Pathogenic (1 of 4 stars; one submission).

Conditions:
Primary ciliary dyskinesia 3. Identifiers: Orphanet 244, MedGen C1837618, MONDO:0012085, OMIM 608644.

Submission:

Myriad Genetics, Inc.
Classification: Pathogenic for Primary ciliary dyskinesia 3. Last evaluated: 2024-05-14. Review status: criteria provided, single submitter. Criteria: Myriad Autosomal Dominant, Autosomal Recessive and X-Linked Classification Criteria (2023). Collection method: clinical testing. Allele origin: unknown.
Comment: NM_001369.2(DNAH5):c.2443_2444del2ins12(L815Ifs*7) is expected to be pathogenic in the context of primary ciliary dyskinesia, DNAH5-related. This variant is predicted to lead to an abnormal or absent protein product due to the creation of a premature termination codon in DNAH5, a gene where loss-of-function variants are known to be pathogenic. Please note: this variant was assessed in the context of healthy population screening.